The following is an entry in ClinVar:

NM_001042492.3(NF1):c.7804A>T (p.Asn2602Tyr)

Gene: NF1 (neurofibromin 1; plus strand). Cytogenetic location: 17q11.2.
Variant type: single nucleotide variant.
Coding change: c.7804A>T on transcript NM_001042492.3 (MANE Select); coding-DNA position 7804, A replaced by T.
Protein change: p.Asn2602Tyr; replaces asparagine 2602 with tyrosine.
Molecular consequence: missense variant.
Genome position (GRCh38, 1-based): chr17:31,357,025, A>T. VCF-style: chr17-31357025-A-T. GRCh37 (hg19) VCF-style: chr17-29684043-A-T.
Other names: c.7741A>T, p.Asn2581Tyr (NM_000267.4); short protein forms N2602Y, N2581Y.
Identifiers: ClinVar variation 527414 (VCV000527414.16), dbSNP rs150657839, ClinGen allele CA399018519.
Genomic context (GRCh38, chr17:31,357,025, plus strand): 5'-CAGAGGATTTCCTCATCACAACAGCACCCACATTTACGTAAAGTTTCAGTGTCTGAATCA[A>T]ATGTTCTCTTGGATGAAGAAGTACTTACTGATCCGAAGATCCAGGCGCTGCTTCTTACTG-3'
Protein context (NP_001035957.1, residues 2592-2612): HLRKVSVSES[Asn2602Tyr]VLLDEEVLTD

ClinVar aggregate classification (germline): Conflicting classifications of pathogenicity. Review status: criteria provided, conflicting classifications (1 of 4 stars). 5 submissions from 5 submitters: Uncertain significance (4); Likely benign (1). Last evaluated 2024-07-03.

Conditions:
Neurofibromatosis, type 1 (NF1). Also called: Peripheral type neurofibromatosis; NEUROFIBROMATOSIS, TYPE I, SOMATIC; Neurofibromatosis, type I; VON RECKLINGHAUSEN DISEASE. Identifiers: Orphanet 636, MedGen C0027831, MONDO:0018975, OMIM 162200. Disease mechanism: loss of function.
Cardiovascular phenotype. Identifiers: MedGen CN230736.
Hereditary cancer-predisposing syndrome. Also called: Hereditary neoplastic syndrome; Tumor predisposition; Neoplastic Syndromes, Hereditary; Hereditary Cancer Syndrome. Identifiers: Orphanet 140162, MedGen C0027672, MeSH D009386, MONDO:0015356.
Neurofibromatosis-Noonan syndrome (NFNS). Also called: NEUROFIBROMATOSIS WITH NOONAN PHENOTYPE. Identifiers: Orphanet 638, MedGen C2931482, MONDO:0011035, OMIM 601321. Disease mechanism: loss of function.
Neurofibromatosis, familial spinal (FSNF). Identifiers: Orphanet 636, MedGen C1834235, MONDO:0008078, OMIM 162210. Disease mechanism: loss of function.
Café-au-lait macules with pulmonary stenosis (WTSN). Also called: PULMONIC STENOSIS WITH CAFE-AU-LAIT SPOTS. Identifiers: MedGen C0553586, MONDO:0008672, OMIM 193520.
Juvenile myelomonocytic leukemia (JMML). Also called: LEUKEMIA, JUVENILE MYELOMONOCYTIC, SOMATIC. Identifiers: Orphanet 86834, MedGen C0349639, MONDO:0011908, OMIM 607785, HP:0012209.

Submissions (5):

Labcorp Genetics (formerly Invitae), Labcorp
Classification: Likely benign for Neurofibromatosis, type 1. Last evaluated: 2024-07-03. Review status: criteria provided, single submitter. Criteria: Invitae Variant Classification Sherloc (09022015). Collection method: clinical testing. Allele origin: germline.

Fulgent Genetics
Classification: Uncertain significance for Neurofibromatosis, type 1; Neurofibromatosis, familial spinal; Café-au-lait macules with pulmonary stenosis; Neurofibromatosis-Noonan syndrome; Juvenile myelomonocytic leukemia. Last evaluated: 2023-12-24. Review status: criteria provided, single submitter. Criteria: ACMG Guidelines, 2015. Collection method: clinical testing. Allele origin: germline.

Genome-Nilou Lab
Classification: Uncertain significance for Neurofibromatosis, type 1. Last evaluated: 2022-03-15. Review status: criteria provided, single submitter. Criteria: ACMG Guidelines, 2015. Collection method: clinical testing. Allele origin: germline. Affected: no.

Blueprint Genetics
Classification: Uncertain significance. Last evaluated: 2021-09-22. Review status: criteria provided, single submitter. Criteria: ACMG Guidelines, 2015. Collection method: clinical testing. Allele origin: germline.

Ambry Genetics
Classification: Uncertain significance for Cardiovascular phenotype; Hereditary cancer-predisposing syndrome. Last evaluated: 2021-03-31. Review status: criteria provided, single submitter. Criteria: Ambry Variant Classification Scheme 2023. Collection method: clinical testing. Allele origin: germline.
Comment: The p.N2581Y variant (also known as c.7741A>T), located in coding exon 52 of the NF1 gene, results from an A to T substitution at nucleotide position 7741. The asparagine at codon 2581 is replaced by tyrosine, an amino acid with dissimilar properties. This amino acid position is highly conserved in available vertebrate species. In addition, the in silico prediction for this alteration is inconclusive. Since supporting evidence is limited at this time, the clinical significance of this alteration remains unclear.